The following is an entry in ClinVar:

ClinVar aggregate classification (germline): Likely benign. Review status: criteria provided, multiple submitters, no conflicts (2 of 4 stars). 3 submissions from 3 submitters: Likely benign (3). Last evaluated 2024-10-24.

Allele frequency attached by ClinVar (database versions not stated): gnomAD below 0.00001 and 0.00002; gnomAD exomes 0.00004 and 0.00008; ExAC 0.00013.
gnomAD v4.1: 65 of 1,513,842 alleles (0.0043%); highest among the groups gnomAD compares: South Asian, 0.069%; 1 homozygote.

Submissions (3):

Blueprint Genetics
Classification: Likely benign. Last evaluated: 2024-10-24. Review status: criteria provided, single submitter. Criteria: ACMG Guidelines, 2015. Collection method: clinical testing. Allele origin: germline.

Labcorp Genetics (formerly Invitae), Labcorp
Classification: Likely benign. Last evaluated: 2024-02-24. Review status: criteria provided, single submitter. Criteria: Invitae Variant Classification Sherloc (09022015). Collection method: clinical testing. Allele origin: germline.

Laboratory for Molecular Medicine, Mass General Brigham Personalized Medicine
Classification: Likely benign. Last evaluated: 2014-07-29. Review status: criteria provided, single submitter. Criteria: LMM Criteria. Collection method: clinical testing. Allele origin: germline. Observed: 1 variant allele.
Comment: 12121-13T>C in intron 58 of GPR98: This variant is not expected to have clinical significance because a T>C change at this position does not diverge from the sp lice consensus sequence and is therefore unlikely to impact splicing.

NM_032119.4(ADGRV1):c.12121-13T>C

Gene: ADGRV1 (adhesion G protein-coupled receptor V1; plus strand). Cytogenetic location: 5q14.3.
Variant type: single nucleotide variant.
Coding change: c.12121-13T>C on transcript NM_032119.4 (MANE Select); 13 bases into the intron before coding-DNA position 12121, T replaced by C.
Molecular consequence: intron variant.
Genome position (GRCh38, 1-based): chr5:90,763,292, T>C. VCF-style: chr5-90763292-T-C. GRCh37 (hg19) VCF-style: chr5-90059109-T-C.
Identifiers: ClinVar variation 163600 (VCV000163600.13), dbSNP rs727503079, ClinGen allele CA176222.
Genomic context (GRCh38, chr5:90,763,292, plus strand): 5'-TAAGATTCTACTTGTTTATCCTGCTCTTTTTGTTTTTTTTTTTGTTTGGCCTTACTGAAT[T>C]TTCTTCTTTCAGGTAATGATTGATGAATCCCTTTCATCCGATGACCCTGATTCATATGTG-3'